The following is an entry in ClinVar:

ClinVar aggregate classification (germline): Uncertain significance (1 of 4 stars; one submission).

Submission:

Labcorp Genetics (formerly Invitae), Labcorp
Classification: Uncertain significance. Last evaluated: 2023-01-18. Review status: criteria provided, single submitter. Criteria: Invitae Variant Classification Sherloc (09022015). Collection method: clinical testing. Allele origin: germline.
Comment: This variant is not present in population databases (gnomAD no frequency). In summary, the available evidence is currently insufficient to determine the role of this variant in disease. Therefore, it has been classified as a Variant of Uncertain Significance. This variant disrupts the p.Trp130 amino acid residue in RUNX2. Other variant(s) that disrupt this residue have been determined to be pathogenic (PMID: 20376792; Invitae). This suggests that this residue is clinically significant, and that variants that disrupt this residue are likely to be disease-causing. Advanced modeling of protein sequence and biophysical properties (such as structural, functional, and spatial information, amino acid conservation, physicochemical variation, residue mobility, and thermodynamic stability) performed at Invitae indicates that this missense variant is expected to disrupt RUNX2 protein function. This missense change has been observed in individual(s) with cleidocranial dysplasia (Invitae). This sequence change replaces tryptophan, which is neutral and slightly polar, with glycine, which is neutral and non-polar, at codon 130 of the RUNX2 protein (p.Trp130Gly).

Literature cited by the submitters: PubMed 20376792.

NM_001024630.4(RUNX2):c.388T>G (p.Trp130Gly)

Gene: RUNX2 (RUNX family transcription factor 2; plus strand). Cytogenetic location: 6p21.1.
Variant type: single nucleotide variant.
Coding change: c.388T>G on transcript NM_001024630.4 (MANE Select); coding-DNA position 388, T replaced by G.
Protein change: p.Trp130Gly; replaces tryptophan 130 with glycine.
Molecular consequence: missense variant.
Genome position (GRCh38, 1-based): chr6:45,422,922, T>G. VCF-style: chr6-45422922-T-G. GRCh37 (hg19) VCF-style: chr6-45390659-T-G.
Other names: c.388T>G, p.Trp130Gly (NM_001015051.4); c.346T>G, p.Trp116Gly (NM_001278478.2, NM_001369405.1, NM_004348.3); short protein forms W116G, W130G.
Identifiers: ClinVar variation 2829893 (VCV002829893.3), dbSNP rs2150362649, ClinGen allele CA363958652.